The following is an entry in ClinVar:

ClinVar aggregate classification (germline): Likely pathogenic. Review status: criteria provided, multiple submitters, no conflicts (2 of 4 stars). 2 submissions from 2 submitters: Likely pathogenic (2). Last evaluated 2022-01-16.

Conditions:
Seizures, benign familial infantile, 3 (BFIS3). Also called: Familial neonatal seizures; CONVULSIONS, BENIGN FAMILIAL INFANTILE, 3. Identifiers: Orphanet 140927, Orphanet 306, MedGen C1843140, MONDO:0011904, OMIM 607745.
Developmental and epileptic encephalopathy, 11 (DEE11). Also called: Early infantile epileptic encephalopathy 11. Identifiers: Orphanet 1934, MedGen C3150987, MONDO:0013388, OMIM 613721.
Epileptic encephalopathy. Identifiers: MedGen C0543888, HP:0200134.

Submissions (2):

Labcorp Genetics (formerly Invitae), Labcorp
Classification: Likely pathogenic for Seizures, benign familial infantile, 3; Developmental and epileptic encephalopathy, 11. Last evaluated: 2022-01-16. Review status: criteria provided, single submitter. Criteria: Invitae Variant Classification Sherloc (09022015). Collection method: clinical testing. Allele origin: germline.
Comment: This sequence change replaces methionine, which is neutral and non-polar, with threonine, which is neutral and polar, at codon 1548 of the SCN2A protein (p.Met1548Thr). This variant is not present in population databases (gnomAD no frequency). In summary, the currently available evidence indicates that the variant is pathogenic, but additional data are needed to prove that conclusively. Therefore, this variant has been classified as Likely Pathogenic. This variant disrupts the p.Met1548 amino acid residue in SCN2A. Other variant(s) that disrupt this residue have been observed in individuals with SCN2A-related conditions (PMID: 28379373), which suggests that this may be a clinically significant amino acid residue. Algorithms developed to predict the effect of missense changes on protein structure and function are either unavailable or do not agree on the potential impact of this missense change (SIFT: "Deleterious"; PolyPhen-2: "Benign"; Align-GVGD: "Class C0"). ClinVar contains an entry for this variant (Variation ID: 375506). This missense change has been observed in individual(s) with epileptic encephalopathy (PMID: 27864847). In at least one individual the variant was observed to be de novo.

Neurogenetics Laboratory - MEYER, AOU Meyer
Classification: Likely pathogenic for Epileptic encephalopathy. Last evaluated: 2016-11-16. Review status: criteria provided, single submitter. Criteria: ACMG Guidelines, 2015. Collection method: clinical testing. Allele origin: de novo. Affected: yes. Observed: 1 heterozygote.

Literature cited by the submitters: PubMed 28379373 (cited by Labcorp Genetics (formerly Invitae), Labcorp); PubMed 27864847 (cited by Labcorp Genetics (formerly Invitae), Labcorp).

NM_001040142.2(SCN2A):c.4643T>C (p.Met1548Thr)

Gene: SCN2A (sodium voltage-gated channel alpha subunit 2; plus strand). Cytogenetic location: 2q24.3.
Variant type: single nucleotide variant.
Coding change: c.4643T>C on transcript NM_001040142.2 (MANE Select); coding-DNA position 4643, T replaced by C.
Protein change: p.Met1548Thr; replaces methionine 1548 with threonine.
Molecular consequence: missense variant.
Genome position (GRCh38, 1-based): chr2:165,386,837, T>C. VCF-style: chr2-165386837-T-C. GRCh37 (hg19) VCF-style: chr2-166243347-T-C.
Other names: c.4643T>C, p.Met1548Thr (NM_001040143.2, NM_001371246.1, NM_001371247.1 and 1 more transcripts); short protein forms M1548T.
Identifiers: ClinVar variation 375506 (VCV000375506.6), dbSNP rs1057519524, ClinGen allele CA16044310.